The following is an entry in ClinVar:

NM_000274.4(OAT):c.533_537del (p.Phe177_Trp178insTer)

Gene: OAT (ornithine aminotransferase; minus strand). Cytogenetic location: 10q26.13.
Variant type: Deletion.
Coding change: c.533_537del on transcript NM_000274.4 (MANE Select); coding-DNA positions 533 to 537, 5 bases deleted (GGGGT; older notation c.533_537delGGGGT).
Protein change: p.Phe177_Trp178insTer.
Molecular consequence: nonsense. On other transcripts: 5 prime UTR variant (1).
Genome position (GRCh38, 1-based): chr10:124,405,547-124,405,551, ACCCC deleted on the plus strand (GGGGT on the coding strand, the reverse complement: OAT is on the minus strand); deleting any 5 consecutive bases within chr10:124,405,547-124,405,552 gives the same sequence; the c. name uses the placement nearest the transcript's 3' end. VCF-style (leftmost placement, unchanged base first): chr10-124405546-TACCCC-T. GRCh37 (hg19) VCF-style: chr10-126094115-TACCCC-T.
Other names: c.119_123del, p.Phe39_Trp40insTer (NM_001171814.2); c.533_537del, p.Phe177_Trp178insTer (NM_001322965.2, NM_001322966.2, NM_001322967.2 and 3 more transcripts); c.212_216del, p.Phe70_Trp71insTer (NM_001322971.2); c.-68_-64del (NM_001322974.2); c.532_536delTGGGG (NM_000274.3); c.532_536del (NM_000274.4).
Identifiers: ClinVar variation 56130 (VCV000056130.9), dbSNP rs386833612, ClinGen allele CA144164.
Genomic context (GRCh38, chr10:124,405,546, plus strand): 5'-ATGGTCCAAAACCATCGTAACTGGTTGGGTCTGTGGAACTGGAGATAGCAGACAACGTCC[TACCCC>T]AGAAGTTCCCAGCTACAAAGGGGAAACAAACAGTGATTATTTCAAAGAAACCCAAAATTC-3'

ClinVar aggregate classification (germline): Pathogenic. Review status: criteria provided, multiple submitters, no conflicts (2 of 4 stars). 5 submissions from 5 submitters: Pathogenic (4). 1 of the submissions does not count toward it. Last evaluated 2024-05-29.

Conditions:
Retinal dystrophy. Also called: Inherited retinal dystrophy. Identifiers: Orphanet 71862, MedGen C0854723, MeSH D058499, MONDO:0019118, HP:0000556.
Ornithine aminotransferase deficiency (GACR). Also called: HYPERORNITHINEMIA WITH GYRATE ATROPHY OF CHOROID AND RETINA; OAT DEFICIENCY; OKT DEFICIENCY; Ornithine ketoacid aminotransferase deficiency; Gyrate atrophy; Gyrate atrophy of choroid and retina. Identifiers: Orphanet 414, MedGen C0018425, MONDO:0009796, OMIM 258870.

Submissions (5):

Fulgent Genetics
Classification: Pathogenic for Ornithine aminotransferase deficiency. Last evaluated: 2024-05-29. Review status: criteria provided, single submitter. Criteria: ACMG Guidelines, 2015. Collection method: clinical testing. Allele origin: germline.

Baylor Genetics
Classification: Pathogenic for Ornithine aminotransferase deficiency. Last evaluated: 2023-10-10. Review status: criteria provided, single submitter. Criteria: ACMG Guidelines, 2015. Collection method: clinical testing. Allele origin: unknown.

Labcorp Genetics (formerly Invitae), Labcorp
Classification: Pathogenic for Ornithine aminotransferase deficiency. Last evaluated: 2023-04-16. Review status: criteria provided, single submitter. Criteria: Invitae Variant Classification Sherloc (09022015). Collection method: clinical testing. Allele origin: germline.
Comment: For these reasons, this variant has been classified as Pathogenic. ClinVar contains an entry for this variant (Variation ID: 56130). This variant is also known as c.532_536delTGGGG. This premature translational stop signal has been observed in individual(s) with gyrate atrophy (PMID: 22674428). This variant is present in population databases (rs386833612, gnomAD 0.007%). This sequence change creates a premature translational stop signal (p.Trp178*) in the OAT gene. It is expected to result in an absent or disrupted protein product. Loss-of-function variants in OAT are known to be pathogenic (PMID: 1737786, 23076989).

Institute of Human Genetics, Univ. Regensburg, Univ. Regensburg
Classification: Pathogenic for Retinal dystrophy. Last evaluated: 2009-01-01. Review status: criteria provided, single submitter. Criteria: ACMG Guidelines, 2015. Collection method: clinical testing. Allele origin: germline. Affected: yes.

Juha Muilu Group; Institute for Molecular Medicine Finland (FIMM)
Classification: Likely pathogenic for Ornithine aminotransferase deficiency. Review status: no assertion criteria provided. Collection method: not provided. Allele origin: unknown. Not counted in ClinVar's aggregate classification.
Comment: FinDis database variant: This variant was not found or characterized by our laboratory, data were collected from public sources: see reference
ClinVar note: Converted during submission from probable-pathogenic to Likely pathogenic.

Literature cited by the submitters: PubMed 22674428 (cited by Labcorp Genetics (formerly Invitae), Labcorp); PubMed 1737786 (cited by Labcorp Genetics (formerly Invitae), Labcorp); PubMed 23076989 (cited by Labcorp Genetics (formerly Invitae), Labcorp).